The following is an entry in ClinVar:

NM_001128.6(AP1G1):c.484G>T (p.Val162Phe)

Gene: AP1G1 (adaptor related protein complex 1 subunit gamma 1; minus strand). Cytogenetic location: 16q22.2.
Variant type: single nucleotide variant.
Coding change: c.484G>T on transcript NM_001128.6 (MANE Select); coding-DNA position 484, G replaced by T.
Protein change: p.Val162Phe; replaces valine 162 with phenylalanine.
Molecular consequence: missense variant.
Genome position (GRCh38, 1-based): chr16:71,771,237, C>A on the plus strand (G>T on the coding strand, the complement: AP1G1 is on the minus strand). VCF-style: chr16-71771237-C-A. GRCh37 (hg19) VCF-style: chr16-71805140-C-A.
Other names: c.484G>T, p.Val162Phe (NM_001030007.2); short protein forms V162F.
Identifiers: ClinVar variation 5009901 (VCV005009901.1).

ClinVar aggregate classification (germline): Uncertain significance (1 of 4 stars; one submission).

Submission:

GeneDx
Classification: Uncertain significance. Last evaluated: 2026-02-25. Review status: criteria provided, single submitter. Criteria: GeneDx Variant Classification Process June 2021. Collection method: clinical testing. Allele origin: germline.
Comment: Not observed at significant frequency in large population cohorts (gnomAD); In silico analysis suggests that this missense variant does not alter protein structure/function; Has not been previously published as pathogenic or benign to our knowledge